The following is an entry in ClinVar:

ClinVar aggregate classification (germline): Likely benign. Review status: criteria provided, multiple submitters, no conflicts (2 of 4 stars). 2 submissions from 2 submitters: Likely benign (2). Last evaluated 2026-04-01.

Conditions:
Spastic paraplegia. Identifiers: MedGen C0037772, HP:0001258.

Allele frequency attached by ClinVar (database versions not stated): gnomAD exomes below 0.00001; TOPMed 0.00001.
gnomAD v4.1: 4 of 1,614,174 alleles (0.00025%); highest among the groups gnomAD compares: South Asian, 0.0011%; no homozygotes.

Submissions (2):

CeGaT Center for Human Genetics Tuebingen
Classification: Likely benign. Last evaluated: 2026-04-01. Review status: criteria provided, single submitter. Criteria: CeGaT Center For Human Genetics Tuebingen Variant Classification Criteria Version 2. Collection method: clinical testing. Allele origin: germline. Affected: yes. Observed: 1 variant allele.
Comment: ZFYVE26: BP4, BP7

Labcorp Genetics (formerly Invitae), Labcorp
Classification: Likely benign for Spastic paraplegia. Last evaluated: 2024-01-18. Review status: criteria provided, single submitter. Criteria: Invitae Variant Classification Sherloc (09022015). Collection method: clinical testing. Allele origin: germline.

NM_015346.4(ZFYVE26):c.4686G>A (p.Leu1562=)

Gene: ZFYVE26 (zinc finger FYVE-type containing 26; minus strand). Cytogenetic location: 14q24.1.
Variant type: single nucleotide variant.
Coding change: c.4686G>A on transcript NM_015346.4 (MANE Select); coding-DNA position 4686, G replaced by A.
Protein change: p.Leu1562=; no amino-acid change (leucine 1562 retained).
Molecular consequence: synonymous variant.
Genome position (GRCh38, 1-based): chr14:67,778,237, C>T on the plus strand (G>A on the coding strand, the complement: ZFYVE26 is on the minus strand). VCF-style: chr14-67778237-C-T. GRCh37 (hg19) VCF-style: chr14-68244954-C-T.
Identifiers: ClinVar variation 1642001 (VCV001642001.10), dbSNP rs998734784, ClinGen allele CA262843583.